The following is an entry in ClinVar:

ClinVar aggregate classification (germline): Uncertain significance (1 of 4 stars; one submission).

Allele frequency attached by ClinVar (database versions not stated): ExAC 0.00001.

Submission:

Labcorp Genetics (formerly Invitae), Labcorp
Classification: Uncertain significance. Last evaluated: 2024-09-05. Review status: criteria provided, single submitter. Criteria: Invitae Variant Classification Sherloc (09022015). Collection method: clinical testing. Allele origin: germline.
Comment: This sequence change replaces alanine, which is neutral and non-polar, with aspartic acid, which is acidic and polar, at codon 145 of the ICOSLG protein (p.Ala145Asp). This variant is present in population databases (rs774428098, gnomAD 0.003%). This variant has not been reported in the literature in individuals affected with ICOSLG-related conditions. ClinVar contains an entry for this variant (Variation ID: 1964321). An algorithm developed to predict the effect of missense changes on protein structure and function (PolyPhen-2) suggests that this variant is likely to be tolerated. In summary, the available evidence is currently insufficient to determine the role of this variant in disease. Therefore, it has been classified as a Variant of Uncertain Significance.

NM_015259.6(ICOSLG):c.434C>A (p.Ala145Asp)

Gene: ICOSLG (inducible T cell costimulator ligand; minus strand). Cytogenetic location: 21q22.3.
Variant type: single nucleotide variant.
Coding change: c.434C>A on transcript NM_015259.6 (MANE Select); coding-DNA position 434, C replaced by A.
Protein change: p.Ala145Asp; replaces alanine 145 with aspartic acid.
Molecular consequence: missense variant.
Genome position (GRCh38, 1-based): chr21:44,235,535, G>T on the plus strand (C>A on the coding strand, the complement: ICOSLG is on the minus strand). VCF-style: chr21-44235535-G-T. GRCh37 (hg19) VCF-style: chr21-45655418-G-T.
Other names: c.434C>A, p.Ala145Asp (NM_001283050.2, NM_001395918.1); c.83C>A, p.Ala28Asp (NM_001283051.2); c.179C>A, p.Ala60Asp (NM_001283052.2); c.353C>A, p.Ala118Asp (NM_001365759.2); short protein forms A60D, A145D, A28D, A118D.
Identifiers: ClinVar variation 1964321 (VCV001964321.5), dbSNP rs774428098, ClinGen allele CA321497329.